The following is an entry in ClinVar:

NM_000270.4(PNP):c.10G>C (p.Gly4Arg)

Gene: PNP (purine nucleoside phosphorylase; plus strand). Cytogenetic location: 14q11.2.
Variant type: single nucleotide variant.
Coding change: c.10G>C on transcript NM_000270.4 (MANE Select); coding-DNA position 10, G replaced by C.
Protein change: p.Gly4Arg; replaces glycine 4 with arginine.
Molecular consequence: missense variant.
Genome position (GRCh38, 1-based): chr14:20,469,534, G>C. VCF-style: chr14-20469534-G-C. GRCh37 (hg19) VCF-style: chr14-20937693-G-C.
Other names: short protein forms G4R.
Identifiers: ClinVar variation 459611 (VCV000459611.9), dbSNP rs764019813, ClinGen allele CA7081978.

ClinVar aggregate classification (germline): Conflicting classifications of pathogenicity. Review status: criteria provided, conflicting classifications (1 of 4 stars). 2 submissions from 2 submitters: Uncertain significance (1); Likely benign (1). Last evaluated 2025-01-20.

Conditions:
Purine-nucleoside phosphorylase deficiency. Also called: NUCLEOSIDE PHOSPHORYLASE DEFICIENCY; Immunodeficiency due to purine nucleoside phosphorylase deficiency. Identifiers: Orphanet 760, MedGen C0268125, MONDO:0013171, OMIM 613179.

Allele frequency attached by ClinVar (database versions not stated): TOPMed 0.00006; gnomAD exomes 0.00008 and 0.00009; ExAC 0.00009; gnomAD 0.00009.

Submissions (2):

Labcorp Genetics (formerly Invitae), Labcorp
Classification: Uncertain significance for Purine-nucleoside phosphorylase deficiency. Last evaluated: 2025-01-20. Review status: criteria provided, single submitter. Criteria: Invitae Variant Classification Sherloc (09022015). Collection method: clinical testing. Allele origin: germline.
Comment: This sequence change replaces glycine, which is neutral and non-polar, with arginine, which is basic and polar, at codon 4 of the PNP protein (p.Gly4Arg). This variant is present in population databases (rs764019813, gnomAD 0.02%). This variant has not been reported in the literature in individuals affected with PNP-related conditions. ClinVar contains an entry for this variant (Variation ID: 459611). An algorithm developed to predict the effect of missense changes on protein structure and function outputs the following: PolyPhen-2: "Benign". The arginine amino acid residue is found in multiple mammalian species, which suggests that this missense change does not adversely affect protein function. In summary, the available evidence is currently insufficient to determine the role of this variant in disease. Therefore, it has been classified as a Variant of Uncertain Significance.

Blueprint Genetics
Classification: Likely benign. Last evaluated: 2024-11-15. Review status: criteria provided, single submitter. Criteria: ACMG Guidelines, 2015. Collection method: clinical testing. Allele origin: germline.